The following is an entry in ClinVar:

ClinVar aggregate classification (germline): Uncertain significance. Review status: criteria provided, multiple submitters, no conflicts (2 of 4 stars). 2 submissions from 2 submitters: Uncertain significance (2). Last evaluated 2024-01-10.

Allele frequency attached by ClinVar (database versions not stated): gnomAD exomes below 0.00001.
gnomAD v4.1: 1 of 1,614,026 alleles (0.000062%); highest among the groups gnomAD compares: East Asian, 0.0022%; no homozygotes.

Submissions (2):

GeneDx
Classification: Uncertain significance. Last evaluated: 2024-01-10. Review status: criteria provided, single submitter. Criteria: GeneDx Variant Classification Process June 2021. Collection method: clinical testing. Allele origin: germline. Affected: yes.
Comment: Not observed at significant frequency in large population cohorts (gnomAD); In silico analysis supports that this missense variant does not alter protein structure/function; Has not been previously published as pathogenic or benign to our knowledge

Labcorp Genetics (formerly Invitae), Labcorp
Classification: Uncertain significance. Last evaluated: 2023-11-25. Review status: criteria provided, single submitter. Criteria: Invitae Variant Classification Sherloc (09022015). Collection method: clinical testing. Allele origin: germline.
Comment: This sequence change replaces leucine, which is neutral and non-polar, with phenylalanine, which is neutral and non-polar, at codon 887 of the SETD5 protein (p.Leu887Phe). This variant is not present in population databases (gnomAD no frequency). This variant has not been reported in the literature in individuals affected with SETD5-related conditions. Advanced modeling of protein sequence and biophysical properties (such as structural, functional, and spatial information, amino acid conservation, physicochemical variation, residue mobility, and thermodynamic stability) performed at Invitae indicates that this missense variant is not expected to disrupt SETD5 protein function with a negative predictive value of 80%. In summary, the available evidence is currently insufficient to determine the role of this variant in disease. Therefore, it has been classified as a Variant of Uncertain Significance.

NM_001080517.3(SETD5):c.2659C>T (p.Leu887Phe)

Gene: SETD5 (SET domain containing 5; plus strand). Cytogenetic location: 3p25.3.
Variant type: single nucleotide variant.
Coding change: c.2659C>T on transcript NM_001080517.3 (MANE Select); coding-DNA position 2659, C replaced by T.
Protein change: p.Leu887Phe; replaces leucine 887 with phenylalanine.
Molecular consequence: missense variant.
Genome position (GRCh38, 1-based): chr3:9,464,607, C>T. VCF-style: chr3-9464607-C-T. GRCh37 (hg19) VCF-style: chr3-9506291-C-T.
Other names: c.2659C>T (NM_001080517.1); c.2365C>T, p.Leu789Phe (NM_001292043.2, NM_001349451.2); short protein forms L887F, L789F.
Identifiers: ClinVar variation 2782866 (VCV002782866.4), dbSNP rs2473601813, ClinGen allele CA351708147.
Genomic context (GRCh38, chr3:9,464,607, plus strand): 5'-CAGCTGGCCACACCTGGCTCATCTCACCCAGGAGAAGAGGAGTGTCGAAATGGATACAGC[C>T]TCATGTTTTCACCAGTCACATCTCTTACTACTGCTAGTCGCTGCAACACTCCTCTACAGT-3'
Protein context (NP_001073986.1, residues 877-897): GEEECRNGYS[Leu887Phe]MFSPVTSLTT